The following is an entry in ClinVar:

NM_022168.4(IFIH1):c.2783_2784delinsG (p.His928fs)

Gene: IFIH1 (interferon induced with helicase C domain 1; minus strand). Cytogenetic location: 2q24.2.
Variant type: Indel.
Coding change: c.2783_2784delinsG on transcript NM_022168.4 (MANE Select); coding-DNA positions 2783 to 2784, AC replaced by G.
Protein change: p.His928fs; shifts the reading frame from histidine 928.
Molecular consequence: frameshift variant.
Genome position (GRCh38, 1-based): chr2:162,268,110-162,268,111, GT replaced by C on the plus strand (AC replaced by G on the coding strand, the reverse complement: IFIH1 is on the minus strand). VCF-style: chr2-162268110-GT-C. GRCh37 (hg19) VCF-style: chr2-163124620-GT-C.
Other names: short protein forms H928fs.
Identifiers: ClinVar variation 2093975 (VCV002093975.4), dbSNP rs2468944460, ClinGen allele CA2580064162.
Genomic context (GRCh38, chr2:162,268,110, plus strand): 5'-TGTGGAAAAATGTAAAAATGGGTCTTTCTGGACTCACTTGAATTCTGGGGTCATATTGAC[GT>C]GATGCATTTTCTCAATTACATGGATATCTTCCCCAGAACAGGCTAGCACACTGCAGTTTT-3'

ClinVar aggregate classification (germline): Uncertain significance (1 of 4 stars; one submission).

Conditions:
Aicardi-Goutieres syndrome 7 (AGS7). Identifiers: Orphanet 51, MedGen C3888244, MONDO:0014367, OMIM 615846.
Singleton-Merten syndrome 1 (SGMRT1). Also called: Widened medullary cavities of bone, aortic calcification, abnormal dentition, and muscular weakness; Syndrome of widened medullary cavities of the metacarpals and phalanges, aortic calcification and abnormal dentition. Identifiers: Orphanet 85191, MedGen C4225427, MONDO:0024535, OMIM 182250.

Submission:

Labcorp Genetics (formerly Invitae), Labcorp
Classification: Uncertain significance for Aicardi-Goutieres syndrome 7; Singleton-Merten syndrome 1. Last evaluated: 2022-02-06. Review status: criteria provided, single submitter. Criteria: Invitae Variant Classification Sherloc (09022015). Collection method: clinical testing. Allele origin: germline.
Comment: In summary, the available evidence is currently insufficient to determine the role of this variant in disease. Therefore, it has been classified as a Variant of Uncertain Significance. This variant has not been reported in the literature in individuals affected with IFIH1-related conditions. This variant is not present in population databases (gnomAD no frequency). This sequence change creates a premature translational stop signal (p.His928Argfs*4) in the IFIH1 gene. It is expected to result in an absent or disrupted protein product. However, the current clinical and genetic evidence is not sufficient to establish whether loss-of-function variants in IFIH1 cause disease.